The following is an entry in ClinVar:

ClinVar aggregate classification (germline): Pathogenic/Likely pathogenic. Review status: criteria provided, multiple submitters, no conflicts (2 of 4 stars). 6 submissions from 6 submitters: Pathogenic (4); Likely pathogenic (2). Last evaluated 2025-10-09.

Conditions:
Inborn genetic diseases. Identifiers: MedGen C0950123, MeSH D030342.
Hereditary spastic paraplegia 30. Identifiers: Orphanet 101010, MedGen C5235139, MONDO:0012476.
Neuropathy, hereditary sensory, type 2C. Also called: KIF1A-Related HSAN2 (HSAN2C); Hereditary sensory and autonomic neuropathy type IIC. Identifiers: Orphanet 970, MedGen C3280168, MONDO:0013634, OMIM 614213.
Intellectual disability, autosomal dominant 9 (NESCAVS). Also called: NESCAV SYNDROME; KIF1A-Related Neurodevelopmental Disorder. Identifiers: Orphanet 662367, MedGen C5393830, MONDO:0013656, OMIM 614255.
Hereditary spastic paraplegia. Also called: Familial spastic paraparesis. Identifiers: Orphanet 685, MedGen C0037773, MONDO:0019064. Disease mechanism: loss of function.

Allele frequency attached by ClinVar (database versions not stated): 1000 Genomes Project 0.00020.
gnomAD v4.1: 1 of 1,611,478 alleles (0.000062%); highest among the groups gnomAD compares: Non-Finnish European, 0.000085%; no homozygotes.

Submissions (6):

Labcorp Genetics (formerly Invitae), Labcorp
Classification: Pathogenic for Hereditary spastic paraplegia 30; Neuropathy, hereditary sensory, type 2C; Intellectual disability, autosomal dominant 9. Last evaluated: 2025-10-09. Review status: criteria provided, single submitter. Criteria: Invitae Variant Classification Sherloc (09022015). Collection method: clinical testing. Allele origin: germline.
Comment: This sequence change replaces arginine, which is basic and polar, with tryptophan, which is neutral and slightly polar, at codon 11 of the KIF1A protein (p.Arg11Trp). This variant is not present in population databases (gnomAD no frequency). This missense change has been observed in individual(s) with autosomal dominant hereditary spastic paraplegia (PMID: 28832565). In at least one individual the variant was observed to be de novo. ClinVar contains an entry for this variant (Variation ID: 424652). Invitae Evidence Modeling of protein sequence and biophysical properties (such as structural, functional, and spatial information, amino acid conservation, physicochemical variation, residue mobility, and thermodynamic stability) indicates that this missense variant is expected to disrupt KIF1A protein function with a positive predictive value of 95%. For these reasons, this variant has been classified as Pathogenic.

CeGaT Center for Human Genetics Tuebingen
Classification: Pathogenic. Last evaluated: 2025-09-01. Review status: criteria provided, single submitter. Criteria: CeGaT Center For Human Genetics Tuebingen Variant Classification Criteria Version 2. Collection method: clinical testing. Allele origin: germline. Affected: yes. Observed: 4 variant alleles.
Comment: KIF1A: PM1, PM2, PM5, PM6, PS4:Moderate, PP2, PP3

GeneDx
Classification: Pathogenic. Last evaluated: 2024-09-04. Review status: criteria provided, single submitter. Criteria: GeneDx Variant Classification Process June 2021. Collection method: clinical testing. Allele origin: germline. Affected: yes.
Comment: Not observed at significant frequency in large population cohorts (gnomAD); In silico analysis supports that this missense variant has a deleterious effect on protein structure/function; This variant is associated with the following publications: (PMID: 37251230, 37489029, 28832565, 31630374, 31227335, 33880452, 35032046, 26125038, 21376300, 21820098, 34487232)

SIB Swiss Institute of Bioinformatics
Classification: Likely pathogenic for Spastic paraplegia 30A, autosomal dominant. Last evaluated: 2020-06-15. Review status: criteria provided, single submitter. Criteria: ACMG Guidelines, 2015. Collection method: curation. Allele origin: unknown.
Comment: This variant is interpreted as likely pathogenic for spastic paraplegia 30, autosomal dominant. The following ACMG Tag(s) were applied: Absent from controls (or at extremely low frequency if recessive) in Exome Sequencing Project, 1000 Genomes Project, or Exome Aggregation Consortium (PM2); Assumed de novo, but no confirmation of paternity and maternity (PM6); Multiple lines of computational evidence support a deleterious effect on the gene or gene product (PP3); Missense variant in a gene that has a low rate of benign missense variation and in which missense variants are a common mechanism of disease (PP2).

Ambry Genetics
Classification: Likely pathogenic for Inborn genetic diseases. Last evaluated: 2019-10-15. Review status: criteria provided, single submitter. Criteria: Ambry Variant Classification Scheme 2023. Collection method: clinical testing. Allele origin: germline.
Comment: The p.R11W variant (also known as c.31C>T), located in coding exon 1 of the KIF1A gene, results from a C to T substitution at nucleotide position 31. The arginine at codon 11 is replaced by tryptophan, an amino acid with dissimilar properties. This alteration has been detected as a de novo occurrence in an individual with intellectual disability and neuropathy onset in the first year of life (Morais S et al. Eur. J. Hum. Genet., 2017 11;25:1217-1228). This amino acid position is highly conserved in available vertebrate species. In addition, this alteration is predicted to be deleterious by in silico analysis. Based on the majority of available evidence to date, this variant is likely to be pathogenic.

Unit for Genetic & Epidemiological Research on Neurological Disorders, Instituto de Investigação e Inovação em Saúde
Classification: Pathogenic for Hereditary spastic paraplegia. Last evaluated: 2017-03-07. Review status: criteria provided, single submitter. Criteria: Morais et al. (Eur J Hum Genet. 2017). Collection method: research. Allele origin: de novo. Affected: yes.

Literature cited by the submitters: PubMed 28832565 (cited by 3 submitters).

NM_001244008.2(KIF1A):c.31C>T (p.Arg11Trp)

Gene: KIF1A (kinesin family member 1A; minus strand). Cytogenetic location: 2q37.3.
Variant type: single nucleotide variant.
Coding change: c.31C>T on transcript NM_001244008.2 (MANE Select); coding-DNA position 31, C replaced by T.
Protein change: p.Arg11Trp; replaces arginine 11 with tryptophan.
Molecular consequence: missense variant.
Genome position (GRCh38, 1-based): chr2:240,797,722, G>A on the plus strand (C>T on the coding strand, the complement: KIF1A is on the minus strand). VCF-style: chr2-240797722-G-A. GRCh37 (hg19) VCF-style: chr2-241737139-G-A.
Other names: c.31C>T, p.Arg11Trp (NM_001320705.2, NM_001330289.2, NM_001330290.2 and 20 more transcripts); short protein forms R11W.
Identifiers: ClinVar variation 424652 (VCV000424652.53), dbSNP rs548204329, ClinGen allele CA68147204.
Genomic context (GRCh38, chr2:240,797,722, plus strand): 5'-ACATCTGAATGATGCACTTGGAGTCACGGCTCATTTCCCGGGAATTGAAGGGGCGGACCC[G>A]CACCGCCACCTTCACCGAAGCCCCGGCCATCTCTGTGGCCTTCGTGGGTCACTCCTCGCA-3'
Protein context (NP_001230937.1, residues 1-21): MAGASVKVAV[Arg11Trp]VRPFNSREMS